The following is an entry in ClinVar:

NM_032237.5(POMK):c.598C>T (p.Arg200Trp)

Gene: POMK (protein O-mannose kinase; plus strand). Cytogenetic location: 8p11.21.
Variant type: single nucleotide variant.
Coding change: c.598C>T on transcript NM_032237.5 (MANE Select); coding-DNA position 598, C replaced by T.
Protein change: p.Arg200Trp; replaces arginine 200 with tryptophan.
Molecular consequence: missense variant.
Genome position (GRCh38, 1-based): chr8:43,122,422, C>T. VCF-style: chr8-43122422-C-T. GRCh37 (hg19) VCF-style: chr8-42977565-C-T.
Other names: c.598C>T (NM_032237.4); c.598C>T, p.Arg200Trp (NM_001277971.2); short protein forms R200W.
Identifiers: ClinVar variation 2094836 (VCV002094836.3), dbSNP rs201642188, ClinGen allele CA4736313.

ClinVar aggregate classification (germline): Uncertain significance. Review status: criteria provided, multiple submitters, no conflicts (2 of 4 stars). 3 submissions from 3 submitters: Uncertain significance (3). Last evaluated 2025-03-29.

Conditions:
POMK-related disorder. Also called: POMK-related condition.
Inborn genetic diseases. Identifiers: MedGen C0950123, MeSH D030342.
Limb-girdle muscular dystrophy due to POMK deficiency. Also called: MUSCULAR DYSTROPHY-DYSTROGLYCANOPATHY, LIMB-GIRDLE, POMK-RELATED; Muscular dystrophy-dystroglycanopathy (limb-girdle), type c, 12. Identifiers: Orphanet 445110, MedGen C4015184, MONDO:0014489, OMIM 616094.
Muscular dystrophy-dystroglycanopathy (congenital with brain and eye anomalies), type a, 12 (MDDGA12). Also called: WALKER-WARBURG SYNDROME OR MUSCLE-EYE-BRAIN DISEASE, POMK-RELATED. Identifiers: Orphanet 899, MedGen C3808964, MONDO:0014101, OMIM 615249.

Allele frequency attached by ClinVar (database versions not stated): gnomAD exomes 0.00003; ExAC 0.00005; gnomAD 0.00005; TOPMed 0.00005; 1000 Genomes Project 30x 0.00016; 1000 Genomes Project 0.00020.

Submissions (3):

PreventionGenetics, part of Exact Sciences
Classification: Uncertain significance for POMK-related condition. Last evaluated: 2025-03-29. Review status: criteria provided, single submitter. Criteria: ACMG Guidelines, 2015. Collection method: clinical testing. Allele origin: germline.
Comment: The POMK c.598C>T variant is predicted to result in the amino acid substitution p.Arg200Trp. To our knowledge, this variant has not been reported in the literature. This variant is reported in 0.0088% of alleles in individuals of European (Non-Finnish) descent in gnomAD. At this time, the clinical significance of this variant is uncertain due to the absence of conclusive functional and genetic evidence.

Labcorp Genetics (formerly Invitae), Labcorp
Classification: Uncertain significance for Muscular dystrophy-dystroglycanopathy (congenital with brain and eye anomalies), type a, 12; Limb-girdle muscular dystrophy due to POMK deficiency. Last evaluated: 2022-04-04. Review status: criteria provided, single submitter. Criteria: Invitae Variant Classification Sherloc (09022015). Collection method: clinical testing. Allele origin: germline.
Comment: This sequence change replaces arginine, which is basic and polar, with tryptophan, which is neutral and slightly polar, at codon 200 of the POMK protein (p.Arg200Trp). This variant is present in population databases (rs201642188, gnomAD 0.008%). This variant has not been reported in the literature in individuals affected with POMK-related conditions. Algorithms developed to predict the effect of missense changes on protein structure and function are either unavailable or do not agree on the potential impact of this missense change (SIFT: "Deleterious"; PolyPhen-2: "Probably Damaging"; Align-GVGD: "Class C0"). In summary, the available evidence is currently insufficient to determine the role of this variant in disease. Therefore, it has been classified as a Variant of Uncertain Significance.

Ambry Genetics
Classification: Uncertain significance for Inborn genetic diseases. Last evaluated: 2022-01-12. Review status: criteria provided, single submitter. Criteria: Ambry Variant Classification Scheme 2023. Collection method: clinical testing. Allele origin: germline.